The following is an entry in ClinVar:

NM_152564.5(VPS13B):c.5908+2dup

Gene: VPS13B (vacuolar protein sorting 13 homolog B; plus strand). Cytogenetic location: 8q22.2.
Variant type: Duplication.
Coding change: c.5908+2dup on transcript NM_152564.5 (MANE Select); the canonical splice donor site of the intron after coding-DNA position 5908, one base duplicated (T; older notation c.5908+2dupT).
Molecular consequence: splice donor variant.
Genome position (GRCh38, 1-based): chr8:99,642,500, T duplicated. VCF-style (leftmost placement, unchanged base first): chr8-99642499-G-GT. GRCh37 (hg19) VCF-style: chr8-100654727-G-GT.
Other names: c.5983+2dupT (NM_017890.4); c.5983+2dup (NM_017890.5); c.5983+1_5983+2insT (NM_017890.5).
Identifiers: ClinVar variation 132794 (VCV000132794.13), dbSNP rs587777381, ClinGen allele CA269814.

ClinVar aggregate classification (germline): Pathogenic/Likely pathogenic. Review status: criteria provided, multiple submitters, no conflicts (2 of 4 stars). 5 submissions from 5 submitters: Pathogenic (2); Likely pathogenic (1). 2 of the submissions do not count toward it. Last evaluated 2023-06-07.

Conditions:
Cohen syndrome (COH1). Also called: Cutis verticis gyrata, retinitis pigmentosa, and sensorineural deafness; PEPPER SYNDROME. Identifiers: Orphanet 193, MedGen C0265223, MONDO:0008999, OMIM 216550.

Allele frequency attached by ClinVar (database versions not stated): gnomAD exomes below 0.00001; TOPMed below 0.00001.

Submissions (5):

Labcorp Genetics (formerly Invitae), Labcorp
Classification: Likely pathogenic for Cohen syndrome. Last evaluated: 2023-06-07. Review status: criteria provided, single submitter. Criteria: Invitae Variant Classification Sherloc (09022015). Collection method: clinical testing. Allele origin: germline.
Comment: In summary, the currently available evidence indicates that the variant is pathogenic, but additional data are needed to prove that conclusively. Therefore, this variant has been classified as Likely Pathogenic. Variants that disrupt the consensus splice site are a relatively common cause of aberrant splicing (PMID: 17576681, 9536098). Algorithms developed to predict the effect of sequence changes on RNA splicing suggest that this variant may disrupt the consensus splice site. Studies have shown that this variant alters VPS13B gene expression (PMID: 24311531). ClinVar contains an entry for this variant (Variation ID: 132794). This variant is also known as IVS34+2T_+3AinsT. This variant has been observed in individual(s) with clinical features of Cohen syndrome (PMID: 24311531). In at least one individual the data is consistent with being in trans (on the opposite chromosome) from a pathogenic variant. This variant is not present in population databases (gnomAD no frequency). This sequence change falls in intron 34 of the VPS13B gene. It does not directly change the encoded amino acid sequence of the VPS13B protein. It affects a nucleotide within the consensus splice site.

Institute of Human Genetics, University of Leipzig Medical Center
Classification: Pathogenic for Cohen syndrome. Last evaluated: 2022-06-09. Review status: criteria provided, single submitter. Criteria: ACMG Guidelines, 2015. Collection method: clinical testing. Allele origin: unknown. Affected: yes.
Comment: _x000D_ Criteria applied: PVS1, PM3_STR, PM2_SUP, PP4

Institute for Clinical Genetics, University Hospital TU Dresden, University Hospital TU Dresden
Classification: Pathogenic. Last evaluated: 2021-11-03. Review status: criteria provided, single submitter. Criteria: ACMG Guidelines, 2015. Collection method: clinical testing. Allele origin: germline.

Counsyl
Classification: Uncertain significance for Cohen syndrome. Last evaluated: 2017-05-19. Review status: no assertion criteria provided. Collection method: clinical testing. Allele origin: unknown. Not counted in ClinVar's aggregate classification.

OMIM
Classification: Pathogenic for COHEN SYNDROME. Last evaluated: 2014-02-01. Review status: no assertion criteria provided. Collection method: literature only. Allele origin: germline. Not counted in ClinVar's aggregate classification.

Literature cited by the submitters: PubMed 17576681 (cited by Labcorp Genetics (formerly Invitae), Labcorp); PubMed 9536098 (cited by Labcorp Genetics (formerly Invitae), Labcorp); PubMed 24311531 (cited by 3 submitters); PubMed 24334764 (cited by Counsyl).